The following is an entry in ClinVar:

ClinVar aggregate classification (germline): Likely pathogenic (1 of 4 stars; one submission).

Conditions:
Megabladder, congenital. Identifiers: MedGen C5231472, MONDO:0032879, OMIM 618719.

Submission:

Victorian Clinical Genetics Services, Murdoch Childrens Research Institute
Classification: Likely pathogenic for Megabladder, congenital. Last evaluated: 2024-10-08. Review status: criteria provided, single submitter. Criteria: ACMG Guidelines, 2015. Collection method: clinical testing. Allele origin: germline. Inheritance: Autosomal dominant inheritance.
Comment: Based on the classification scheme VCGS_Germline_v1.3.4, this variant is classified as Likely pathogenic. Following criteria are met: 0102 - Loss of function is a known mechanism of disease in this gene and is associated with congenital megabladder (MIM#618719). (I) 0107 - This gene is associated with autosomal dominant disease. (I) 0112 - The condition associated with this gene has incomplete penetrance. In a study describing three families with congenital megabladder, seven of eight males were affected; (I) 0201 - Variant is predicted to cause nonsense-mediated decay (NMD) and loss of protein (premature termination codon is located at least 54 nucleotides upstream of the final exon-exon junction). (SP) 0251 - This variant is heterozygous. (I) 0302 - Variant is present in gnomAD (v2) <0.001 for a dominant condition (1 heterozygote, 0 homozygotes). (SP) 0703 - Other NMD-predicted variants comparable to the one identified in this case have moderate previous evidence for pathogenicity. NMD-predicted variants have previously been reported in individuals with congenital megabladder (PMIDs: 31513549, 35005812). (SP) 0807 - This variant has no previous evidence of pathogenicity. (I) 0905 - No published segregation evidence has been identified for this variant. (I) 1007 - No published functional evidence has been identified for this variant. (I) Legend: (SP) - Supporting pathogenic, (I) - Information, (SB) - Supporting benign

Literature cited by the submitters: PubMed 31513549; PubMed 35005812.

NM_001146312.3(MYOCD):c.232del (p.Val78fs)

Gene: MYOCD (myocardin; plus strand). Cytogenetic location: 17p12.
Variant type: Deletion.
Coding change: c.232del on transcript NM_001146312.3 (MANE Select); coding-DNA position 232, one base deleted (G; older notation c.232delG).
Protein change: p.Val78fs; shifts the reading frame from valine 78.
Molecular consequence: frameshift variant. On other transcripts: 5 prime UTR variant (1).
Genome position (GRCh38, 1-based): chr17:12,717,400, G deleted; the last of 2 consecutive G bases (chr17:12,717,399-12,717,400); deleting either gives the same sequence. VCF-style (leftmost placement, unchanged base first): chr17-12717398-TG-T. GRCh37 (hg19) VCF-style: chr17-12620715-TG-T.
Other names: c.-6del (NM_001378306.1); c.232del, p.Val78fs (NM_153604.4); short protein forms V78fs.
Identifiers: ClinVar variation 3377179 (VCV003377179.1).
Genomic context (GRCh38, chr17:12,717,398, plus strand): 5'-TTCTACAGGCTAAAAATTCCCTGAAGCGCAAAGCCAGAAACAGGTGCAACAGTGCCGACT[TG>T]GTTAATATGCACATACTCCAAGGTAAGGCTGCAAGAAATCAGACACCAAGAGATGCTGCA-3'